The following is an entry in ClinVar:

NM_006206.6(PDGFRA):c.3256G>T (p.Asp1086Tyr)

Gene: PDGFRA (platelet derived growth factor receptor alpha; plus strand). Cytogenetic location: 4q12.
Variant type: single nucleotide variant.
Coding change: c.3256G>T on transcript NM_006206.6 (MANE Select); coding-DNA position 3256, G replaced by T.
Protein change: p.Asp1086Tyr; replaces aspartic acid 1086 with tyrosine.
Molecular consequence: missense variant.
Genome position (GRCh38, 1-based): chr4:54,295,258, G>T. VCF-style: chr4-54295258-G-T. GRCh37 (hg19) VCF-style: chr4-55161425-G-T.
Other names: c.3256G>T (NM_006206.4); c.3331G>T, p.Asp1111Tyr (NM_001347828.2); c.3256G>T, p.Asp1086Tyr (NM_001347829.2); c.3295G>T, p.Asp1099Tyr (NM_001347830.2); short protein forms D1099Y, D1111Y, D1086Y.
Identifiers: ClinVar variation 1351562 (VCV001351562.10), dbSNP rs2110359089, ClinGen allele CA356896734.

ClinVar aggregate classification (germline): Uncertain significance. Review status: criteria provided, multiple submitters, no conflicts (2 of 4 stars). 2 submissions from 2 submitters: Uncertain significance (2). Last evaluated 2025-05-18.

Conditions:
Hereditary cancer-predisposing syndrome. Also called: Tumor predisposition; Hereditary Cancer Syndrome; Neoplastic Syndromes, Hereditary; Hereditary neoplastic syndrome. Identifiers: Orphanet 140162, MedGen C0027672, MeSH D009386, MONDO:0015356.
Gastrointestinal stromal tumor. Also called: Gastrointestinal stroma tumor; Gastrointestinal stromal tumor, somatic. Identifiers: Orphanet 44890, MedGen C0238198, MeSH D046152, MONDO:0011719, OMIM 606764, HP:0100723.

Submissions (2):

Labcorp Genetics (formerly Invitae), Labcorp
Classification: Uncertain significance for Gastrointestinal stromal tumor. Last evaluated: 2025-05-18. Review status: criteria provided, single submitter. Criteria: Invitae Variant Classification Sherloc (09022015). Collection method: clinical testing. Allele origin: germline.
Comment: This sequence change replaces aspartic acid, which is acidic and polar, with tyrosine, which is neutral and polar, at codon 1086 of the PDGFRA protein (p.Asp1086Tyr). This variant is not present in population databases (gnomAD no frequency). This variant has not been reported in the literature in individuals affected with PDGFRA-related conditions. ClinVar contains an entry for this variant (Variation ID: 1351562). An algorithm developed to predict the effect of missense changes on protein structure and function (PolyPhen-2) suggests that this variant is likely to be disruptive. In summary, the available evidence is currently insufficient to determine the role of this variant in disease. Therefore, it has been classified as a Variant of Uncertain Significance.

Ambry Genetics
Classification: Uncertain significance for Hereditary cancer-predisposing syndrome. Last evaluated: 2023-02-12. Review status: criteria provided, single submitter. Criteria: Ambry Variant Classification Scheme 2023. Collection method: clinical testing. Allele origin: germline.
Comment: The p.D1086Y variant (also known as c.3256G>T), located in coding exon 22 of the PDGFRA gene, results from a G to T substitution at nucleotide position 3256. The aspartic acid at codon 1086 is replaced by tyrosine, an amino acid with highly dissimilar properties. This amino acid position is conserved. In addition, this alteration is predicted to be deleterious by in silico analysis. Since supporting evidence is limited at this time, the clinical significance of this alteration remains unclear.